The following is an entry in ClinVar:

NM_001292034.3(TAB2):c.872C>G (p.Thr291Ser)

Genes: TAB2 (TGF-beta activated kinase 1 (MAP3K7) binding protein 2; plus strand), LOC126859827 (BRD4-independent group 4 enhancer GRCh37_chr6:149699707-149700906; plus strand). Cytogenetic location: 6q25.1.
Variant type: single nucleotide variant.
Coding change: c.872C>G on transcript NM_001292034.3 (MANE Select); coding-DNA position 872, C replaced by G.
Protein change: p.Thr291Ser; replaces threonine 291 with serine.
Molecular consequence: missense variant.
Genome position (GRCh38, 1-based): chr6:149,378,787, C>G. VCF-style: chr6-149378787-C-G. GRCh37 (hg19) VCF-style: chr6-149699923-C-G.
Other names: c.776C>G, p.Thr259Ser (NM_001292035.3); c.872C>G, p.Thr291Ser (NM_001369506.1, NM_015093.6); short protein forms T291S, T259S.
Identifiers: ClinVar variation 2703535 (VCV002703535.3), dbSNP rs2483390252, ClinGen allele CA365997415.
Genomic context (GRCh38, chr6:149,378,787, plus strand): 5'-AACAGCCAAATCAGCAAGGCCACCAGACCTCTCATGTCTACATGCCAATCAGTTCACCTA[C>G]TACTTCACAACCACCAACCATTCATTCATCTGGTAGCTCACAGTCTTCTGCCCATAGCCA-3'
Protein context (NP_001278963.1, residues 281-301): SHVYMPISSP[Thr291Ser]TSQPPTIHSS

ClinVar aggregate classification (germline): Uncertain significance (1 of 4 stars; one submission).

gnomAD v4.1: 1 of 1,614,170 alleles (0.000062%); no homozygotes.

Submission:

Labcorp Genetics (formerly Invitae), Labcorp
Classification: Uncertain significance. Last evaluated: 2023-12-16. Review status: criteria provided, single submitter. Criteria: Invitae Variant Classification Sherloc (09022015). Collection method: clinical testing. Allele origin: germline.
Comment: This sequence change replaces threonine, which is neutral and polar, with serine, which is neutral and polar, at codon 291 of the TAB2 protein (p.Thr291Ser). This variant is not present in population databases (gnomAD no frequency). This variant has not been reported in the literature in individuals affected with TAB2-related conditions. Advanced modeling of protein sequence and biophysical properties (such as structural, functional, and spatial information, amino acid conservation, physicochemical variation, residue mobility, and thermodynamic stability) performed at Invitae indicates that this missense variant is not expected to disrupt TAB2 protein function with a negative predictive value of 80%. In summary, the available evidence is currently insufficient to determine the role of this variant in disease. Therefore, it has been classified as a Variant of Uncertain Significance.